The following is an entry in ClinVar:

NM_004333.6(BRAF):c.466A>G (p.Ile156Val)

Gene: BRAF (B-Raf proto-oncogene, serine/threonine kinase; minus strand). Cytogenetic location: 7q34.
Variant type: single nucleotide variant.
Coding change: c.466A>G on transcript NM_004333.6 (MANE Select); coding-DNA position 466, A replaced by G.
Protein change: p.Ile156Val; replaces isoleucine 156 with valine.
Molecular consequence: missense variant. On other transcripts: intron variant (1).
Genome position (GRCh38, 1-based): chr7:140,834,647, T>C on the plus strand (A>G on the coding strand, the complement: BRAF is on the minus strand). VCF-style: chr7-140834647-T-C. GRCh37 (hg19) VCF-style: chr7-140534447-T-C.
Other names: c.466A>G, p.Ile156Val (NM_001354609.2, NM_001374244.1, NM_001374258.1 and 5 more transcripts); c.364A>G, p.Ile122Val (NM_001378470.1); c.310A>G, p.Ile104Val (NM_001378472.1, NM_001378473.1); c.240+15464A>G (NM_001378475.1); short protein forms I104V, I122V, I156V.
Identifiers: ClinVar variation 3372694 (VCV003372694.1).

ClinVar aggregate classification (germline): Uncertain significance (1 of 4 stars; one submission).

Submission:

GeneDx
Classification: Uncertain significance. Last evaluated: 2024-04-17. Review status: criteria provided, single submitter. Criteria: GeneDx Variant Classification Process June 2021. Collection method: clinical testing. Allele origin: germline. Affected: yes.
Comment: Has not been previously published as pathogenic or benign to our knowledge; Not observed at significant frequency in large population cohorts (gnomAD); Missense variants in this gene are a common cause of disease and they are underrepresented in the general population; In silico analysis indicates that this missense variant does not alter protein structure/function; This variant is associated with the following publications: (PMID: 29493581)